The following is an entry in ClinVar:

ClinVar aggregate classification (germline): Uncertain significance (1 of 4 stars; one submission).

Allele frequency attached by ClinVar (database versions not stated): TOPMed 0.00002.
gnomAD v4.1: 298 of 1,578,188 alleles (0.019%); highest among the groups gnomAD compares: Non-Finnish European, 0.026%; 1 homozygote.

Submission:

Labcorp Genetics (formerly Invitae), Labcorp
Classification: Uncertain significance. Last evaluated: 2025-10-29. Review status: criteria provided, single submitter. Criteria: Invitae Variant Classification Sherloc (09022015). Collection method: clinical testing. Allele origin: germline.
Comment: This sequence change creates a premature translational stop signal (p.Ser972*) in the PITPNM3 gene. While this is not anticipated to result in nonsense mediated decay, it is expected to disrupt the last 3 amino acid(s) of the PITPNM3 protein. This variant is present in population databases (rs777744887, gnomAD 0.006%). This variant has not been reported in the literature in individuals affected with PITPNM3-related conditions. ClinVar contains an entry for this variant (Variation ID: 1027121). Experimental studies and prediction algorithms are not available or were not evaluated, and the functional significance of this variant is currently unknown. Algorithms developed to predict the effect of sequence changes on RNA splicing suggest that this variant may create or strengthen a splice site. In summary, the available evidence is currently insufficient to determine the role of this variant in disease. Therefore, it has been classified as a Variant of Uncertain Significance.

NM_031220.4(PITPNM3):c.2915C>A (p.Ser972Ter)

Genes: PITPNM3 (PITPNM family member 3; minus strand), LOC130060086 (ATAC-STARR-seq lymphoblastoid silent region 8076; plus strand). Cytogenetic location: 17p13.2.
Variant type: single nucleotide variant.
Coding change: c.2915C>A on transcript NM_031220.4 (MANE Select); coding-DNA position 2915, C replaced by A.
Protein change: p.Ser972Ter; replaces serine 972 with a stop codon.
Molecular consequence: nonsense.
Genome position (GRCh38, 1-based): chr17:6,455,348, G>T on the plus strand (C>A on the coding strand, the complement: PITPNM3 is on the minus strand). VCF-style: chr17-6455348-G-T. GRCh37 (hg19) VCF-style: chr17-6358668-G-T.
Other names: c.2807C>A, p.Ser936Ter (NM_001165966.2); short protein forms S936*, S972*.
Identifiers: ClinVar variation 1027121 (VCV001027121.7), dbSNP rs777744887, ClinGen allele CA8328987.